The following is an entry in ClinVar:

ClinVar aggregate classification (germline): Likely benign. Review status: criteria provided, multiple submitters, no conflicts (2 of 4 stars). 3 submissions from 3 submitters: Likely benign (2). 1 of the submissions does not count toward it. Last evaluated 2024-11-11.

Conditions:
TUB-related disorder. Also called: TUB-related condition.

Allele frequency attached by ClinVar (database versions not stated): gnomAD 0.00019 and 0.00021; 1000 Genomes Project 0.00020; gnomAD exomes 0.00003 and 0.00007; ExAC 0.00008; ESP Exome Variant Server 0.00008; 1000 Genomes Project 30x 0.00016; TOPMed 0.00018.
gnomAD v4.1: 75 of 1,609,404 alleles (0.0047%); highest among the groups gnomAD compares: African/African-American, 0.081%; no homozygotes.

Submissions (3):

Labcorp Genetics (formerly Invitae), Labcorp
Classification: Likely benign. Last evaluated: 2024-11-11. Review status: criteria provided, single submitter. Criteria: Invitae Variant Classification Sherloc (09022015). Collection method: clinical testing. Allele origin: germline.

Blueprint Genetics
Classification: Likely benign. Last evaluated: 2024-08-06. Review status: criteria provided, single submitter. Criteria: ACMG Guidelines, 2015. Collection method: clinical testing. Allele origin: germline.

PreventionGenetics, part of Exact Sciences
Classification: Likely benign for TUB-related condition. Last evaluated: 2021-12-20. Review status: no assertion criteria provided. Collection method: clinical testing. Allele origin: germline. Not counted in ClinVar's aggregate classification.
Comment: This variant is classified as likely benign based on ACMG/AMP sequence variant interpretation guidelines (Richards et al. 2015 PMID: 25741868, with internal and published modifications).

NM_177972.3(TUB):c.998+10T>C

Genes: RIC3 (RIC3 acetylcholine receptor chaperone; minus strand), TUB (TUB bipartite transcription factor; plus strand). Cytogenetic location: 11p15.4.
Variant type: single nucleotide variant.
Coding change: c.998+10T>C on transcript NM_177972.3 (MANE Select); 10 bases into the intron after coding-DNA position 998, T replaced by C.
Molecular consequence: intron variant.
Genome position (GRCh38, 1-based): chr11:8,097,836, T>C. VCF-style: chr11-8097836-T-C. GRCh37 (hg19) VCF-style: chr11-8119383-T-C.
Other names: c.1163+10T>C (NM_003320.5, NM_003320.4).
Identifiers: ClinVar variation 1081865 (VCV001081865.12), dbSNP rs368161835, ClinGen allele CA5871292.